The following is an entry in ClinVar:

NM_015721.3(GEMIN4):c.2216T>C (p.Ile739Thr)

Gene: GEMIN4 (gem nuclear organelle associated protein 4; minus strand). Cytogenetic location: 17p13.3.
Variant type: single nucleotide variant.
Coding change: c.2216T>C on transcript NM_015721.3 (MANE Select); coding-DNA position 2216, T replaced by C.
Protein change: p.Ile739Thr; replaces isoleucine 739 with threonine.
Molecular consequence: missense variant.
Genome position (GRCh38, 1-based): chr17:745,827, A>G on the plus strand (T>C on the coding strand, the complement: GEMIN4 is on the minus strand). VCF-style: chr17-745827-A-G. GRCh37 (hg19) VCF-style: chr17-649067-A-G.
Other names: c.2216T>C (NM_015721.2); short protein forms I739T.
Identifiers: ClinVar variation 1185307 (VCV001185307.7), dbSNP rs1062923, ClinGen allele CA8262456.

ClinVar aggregate classification (germline): Benign. Review status: criteria provided, multiple submitters, no conflicts (2 of 4 stars). 4 submissions from 4 submitters: Benign (3). 1 of the submissions does not count toward it. Last evaluated 2024-11-28.

Conditions:
GEMIN4-related disorder. Also called: GEMIN4-related condition.
Neurodevelopmental disorder with microcephaly, cataracts, and renal abnormalities. Identifiers: MedGen C4693567, MONDO:0060664, OMIM 617913.

Allele frequency attached by ClinVar (database versions not stated): 1000 Genomes Project 30x 0.07199; 1000 Genomes Project 0.07428; TOPMed 0.10916; gnomAD 0.11844 and 0.11952; ESP Exome Variant Server 0.12586; gnomAD exomes 0.12978 and 0.15913; ExAC 0.13354.

Submissions (4):

Blueprint Genetics
Classification: Benign. Last evaluated: 2024-11-28. Review status: criteria provided, single submitter. Criteria: ACMG Guidelines, 2015. Collection method: clinical testing. Allele origin: germline.

Genome-Nilou Lab
Classification: Benign for Neurodevelopmental disorder with microcephaly, cataracts, and renal abnormalities. Last evaluated: 2021-07-14. Review status: criteria provided, single submitter. Criteria: ACMG Guidelines, 2015. Collection method: clinical testing. Allele origin: germline. Affected: no.

Breakthrough Genomics
Classification: Benign. Review status: criteria provided, single submitter. Criteria: ACMG Guidelines, 2015. Collection method: not provided. Allele origin: germline. Inheritance: Autosomal recessive inheritance. Affected: yes.

PreventionGenetics, part of Exact Sciences
Classification: Benign for GEMIN4-related condition. Last evaluated: 2019-10-21. Review status: no assertion criteria provided. Collection method: clinical testing. Allele origin: germline. Not counted in ClinVar's aggregate classification.
Comment: This variant is classified as benign based on ACMG/AMP sequence variant interpretation guidelines (Richards et al. 2015 PMID: 25741868, with internal and published modifications).